The following is an entry in ClinVar:

NM_001853.4(COL9A3):c.80G>C (p.Arg27Thr)

Gene: COL9A3 (collagen type IX alpha 3 chain; plus strand). Cytogenetic location: 20q13.33.
Variant type: single nucleotide variant.
Coding change: c.80G>C on transcript NM_001853.4 (MANE Select); coding-DNA position 80, G replaced by C.
Protein change: p.Arg27Thr; replaces arginine 27 with threonine.
Molecular consequence: missense variant.
Genome position (GRCh38, 1-based): chr20:62,817,568, G>C. VCF-style: chr20-62817568-G-C. GRCh37 (hg19) VCF-style: chr20-61448920-G-C.
Other names: short protein forms R27T.
Identifiers: ClinVar variation 1919919 (VCV001919919.5), dbSNP rs1278000283, ClinGen allele CA409587033.

ClinVar aggregate classification (germline): Uncertain significance (1 of 4 stars; one submission).

Allele frequency attached by ClinVar (database versions not stated): gnomAD 0.00001; TOPMed 0.00003.
gnomAD v4.1: 6 of 1,543,366 alleles (0.00039%); highest among the groups gnomAD compares: African/African-American, 0.0055%; no homozygotes.

Submission:

Labcorp Genetics (formerly Invitae), Labcorp
Classification: Uncertain significance. Last evaluated: 2022-04-07. Review status: criteria provided, single submitter. Criteria: Invitae Variant Classification Sherloc (09022015). Collection method: clinical testing. Allele origin: germline.
Comment: This sequence change replaces arginine, which is basic and polar, with threonine, which is neutral and polar, at codon 27 of the COL9A3 protein (p.Arg27Thr). This variant is present in population databases (no rsID available, gnomAD 0.01%). This variant has not been reported in the literature in individuals affected with COL9A3-related conditions. Algorithms developed to predict the effect of missense changes on protein structure and function are either unavailable or do not agree on the potential impact of this missense change (SIFT: "Tolerated"; PolyPhen-2: "Not Available"; Align-GVGD: "Class C0"). Algorithms developed to predict the effect of sequence changes on RNA splicing suggest that this variant may create or strengthen a splice site. In summary, the available evidence is currently insufficient to determine the role of this variant in disease. Therefore, it has been classified as a Variant of Uncertain Significance.